The following is an entry in ClinVar:

ClinVar aggregate classification (germline): Uncertain significance (1 of 4 stars; one submission).

Conditions:
DNMT1-related disorder. Also called: DNMT1-related condition. Identifiers: MedGen CN381527.

Submission:

PreventionGenetics, part of Exact Sciences
Classification: Uncertain significance for DNMT1-related condition. Last evaluated: 2025-04-17. Review status: criteria provided, single submitter. Criteria: ACMG Guidelines, 2015. Collection method: clinical testing. Allele origin: germline.
Comment: The DNMT1 c.4491C>A variant is not predicted to result in an amino acid change (p.=). This variant is predicted to alter splicing based on available splicing prediction software (SpliceAI, Jaganathan et al. 2019. PubMed ID: 30661751). However, the use of computer prediction softwares is not equivalent to functional evidence. To our knowledge, this variant has not been reported in the literature or in a large population database (gnomAD), indicating this variant is rare. At this time, the clinical significance of this variant is uncertain due to the absence of conclusive functional and genetic evidence.

NM_001130823.3(DNMT1):c.4491C>A (p.Ala1497=)

Genes: DNMT1 (DNA methyltransferase 1; minus strand), LOC126862853 (CDK7 strongly-dependent group 2 enhancer GRCh37_chr19:10246117-10247316; plus strand). Cytogenetic location: 19p13.2.
Variant type: single nucleotide variant.
Coding change: c.4491C>A on transcript NM_001130823.3 (MANE Select); coding-DNA position 4491, C replaced by A.
Protein change: p.Ala1497=; no amino-acid change (alanine 1497 retained).
Molecular consequence: synonymous variant.
Genome position (GRCh38, 1-based): chr19:10,136,286, G>T on the plus strand (C>A on the coding strand, the complement: DNMT1 is on the minus strand). VCF-style: chr19-10136286-G-T. GRCh37 (hg19) VCF-style: chr19-10246962-G-T.
Other names: c.4452C>A, p.Ser1484= (NM_001318730.2); c.4128C>A, p.Ala1376= (NM_001318731.2); c.4443C>A, p.Ala1481= (NM_001379.4).
Identifiers: ClinVar variation 5002125 (VCV005002125.1).
Genomic context (GRCh38, chr19:10,136,286, plus strand): 5'-GGGCAGGCACCAGGGGATGAGGGTGTTGAACTGCCTGGCTGCGGGGTCGCAGGCTTTGCC[G>T]GCTGGAAGACAGGACAGTGATGAGGCTGCAGTTGTGGGATGGGGTATAGGCTTGGGACAG-3'
Protein context (NP_001124295.1, residues 1487-1507): ALRGVCSCVE[Ala1497=]GKACDPAARQ